The following is an entry in ClinVar:

NM_152490.5(B3GALNT2):c.1215C>T (p.Pro405=)

Gene: B3GALNT2 (beta-1,3-N-acetylgalactosaminyltransferase 2; minus strand). Cytogenetic location: 1q42.3.
Variant type: single nucleotide variant.
Coding change: c.1215C>T on transcript NM_152490.5 (MANE Select); coding-DNA position 1215, C replaced by T.
Protein change: p.Pro405=; no amino-acid change (proline 405 retained).
Molecular consequence: synonymous variant.
Genome position (GRCh38, 1-based): chr1:235,454,252, G>A on the plus strand (C>T on the coding strand, the complement: B3GALNT2 is on the minus strand). VCF-style: chr1-235454252-G-A. GRCh37 (hg19) VCF-style: chr1-235617564-G-A.
Identifiers: ClinVar variation 385994 (VCV000385994.38), dbSNP rs145518904, ClinGen allele CA1464651.

ClinVar aggregate classification (germline): Likely benign. Review status: criteria provided, multiple submitters, no conflicts (2 of 4 stars). 4 submissions from 4 submitters: Likely benign (4). Last evaluated 2025-11-12.

Conditions:
Muscular dystrophy-dystroglycanopathy (congenital with brain and eye anomalies), type a, 11 (MDDGA11). Also called: WALKER-WARBURG SYNDROME OR MUSCLE-EYE-BRAIN DISEASE, B3GALNT2-RELATED; Muscular dystrophy-dystroglycanopathy (congenital with brain and eye anomalies, type A, 11; Congenital muscular dystrophy-dystroglycanopathy with brain and eye anomalies, type A11. Identifiers: Orphanet 588, Orphanet 899, MedGen C3554638, MONDO:0014071, OMIM 615181.

Allele frequency attached by ClinVar (database versions not stated): gnomAD exomes 0.00006 and 0.00010; ExAC 0.00012; 1000 Genomes Project 30x 0.00016; 1000 Genomes Project 0.00020; ESP Exome Variant Server 0.00023; gnomAD 0.00027 and 0.00029; TOPMed 0.00049.
gnomAD v4.1: 151 of 1,613,182 alleles (0.0094%); highest among the groups gnomAD compares: African/African-American, 0.11%; 4 homozygotes.

Submissions (4):

Labcorp Genetics (formerly Invitae), Labcorp
Classification: Likely benign for Muscular dystrophy-dystroglycanopathy (congenital with brain and eye anomalies), type a, 11. Last evaluated: 2025-11-12. Review status: criteria provided, single submitter. Criteria: Invitae Variant Classification Sherloc (09022015). Collection method: clinical testing. Allele origin: germline.

Blueprint Genetics
Classification: Likely benign. Last evaluated: 2024-02-14. Review status: criteria provided, single submitter. Criteria: ACMG Guidelines, 2015. Collection method: clinical testing. Allele origin: germline.

CeGaT Center for Human Genetics Tuebingen
Classification: Likely benign. Last evaluated: 2022-06-01. Review status: criteria provided, single submitter. Criteria: CeGaT Center For Human Genetics Tuebingen Variant Classification Criteria Version 2. Collection method: clinical testing. Allele origin: germline. Affected: yes. Observed: 1 variant allele.
Comment: B3GALNT2: BP4, BP7

GeneDx
Classification: Likely benign. Last evaluated: 2018-05-17. Review status: criteria provided, single submitter. Criteria: GeneDx Variant Classification Process June 2021. Collection method: clinical testing. Allele origin: germline. Affected: yes.